The following is an entry in ClinVar:

NM_016335.6(PRODH):c.650G>A (p.Arg217His)

Gene: PRODH (proline dehydrogenase 1; minus strand). Cytogenetic location: 22q11.21.
Variant type: single nucleotide variant.
Coding change: c.650G>A on transcript NM_016335.6 (MANE Select); coding-DNA position 650, G replaced by A.
Protein change: p.Arg217His; replaces arginine 217 with histidine.
Molecular consequence: missense variant.
Genome position (GRCh38, 1-based): chr22:18,925,068, C>T on the plus strand (G>A on the coding strand, the complement: PRODH is on the minus strand). VCF-style: chr22-18925068-C-T. GRCh37 (hg19) VCF-style: chr22-18912581-C-T.
Other names: c.326G>A, p.Arg109His (NM_001195226.2); short protein forms R217H, R109H.
Identifiers: ClinVar variation 547846 (VCV000547846.40), dbSNP rs148375080, ClinGen allele CA10095323.

ClinVar aggregate classification (germline): Conflicting classifications of pathogenicity. Review status: criteria provided, conflicting classifications (1 of 4 stars). 4 submissions from 4 submitters: Uncertain significance (1); Benign (1); Likely benign (2). Last evaluated 2026-02-01.

Conditions:
Proline dehydrogenase deficiency (HYRPRO1). Also called: PROLINE OXIDASE DEFICIENCY; Hyperprolinemia type 1. Identifiers: Orphanet 419, MedGen C0268529, MONDO:0009400, OMIM 239500.

Allele frequency attached by ClinVar (database versions not stated): 1000 Genomes Project 0.00220; TOPMed 0.00433; ExAC 0.00447; gnomAD exomes 0.00472; ESP Exome Variant Server 0.00500; gnomAD 0.00695.

Submissions (4):

Labcorp Genetics (formerly Invitae), Labcorp
Classification: Benign for Proline dehydrogenase deficiency. Last evaluated: 2026-02-01. Review status: criteria provided, single submitter. Criteria: Invitae Variant Classification Sherloc (09022015). Collection method: clinical testing. Allele origin: germline.

Blueprint Genetics
Classification: Likely benign. Last evaluated: 2024-11-27. Review status: criteria provided, single submitter. Criteria: ACMG Guidelines, 2015. Collection method: clinical testing. Allele origin: germline.

CeGaT Center for Human Genetics Tuebingen
Classification: Likely benign. Last evaluated: 2023-10-01. Review status: criteria provided, single submitter. Criteria: CeGaT Center For Human Genetics Tuebingen Variant Classification Criteria Version 2. Collection method: clinical testing. Allele origin: germline. Affected: yes. Observed: 4 variant alleles.
Comment: PRODH: BP4, BS2

Mayo Clinic Laboratories, Mayo Clinic
Classification: Uncertain significance for Proline dehydrogenase deficiency. Last evaluated: 2016-05-02. Review status: criteria provided, single submitter. Criteria: ACMG Guidelines, 2015. Collection method: clinical testing. Allele origin: maternal.